The following is an entry in ClinVar:

ClinVar aggregate classification (germline): Uncertain significance. Review status: criteria provided, multiple submitters, no conflicts (2 of 4 stars). 3 submissions from 3 submitters: Uncertain significance (3). Last evaluated 2025-06-24.

Conditions:
Inborn genetic diseases. Identifiers: MedGen C0950123, MeSH D030342.

gnomAD v4.1: 53 of 1,613,304 alleles (0.0033%); highest among the groups gnomAD compares: South Asian, 0.053%; 1 homozygote.

Submissions (3):

Ambry Genetics
Classification: Uncertain significance for Inborn genetic diseases. Last evaluated: 2025-06-24. Review status: criteria provided, single submitter. Criteria: Ambry Variant Classification Scheme 2023. Collection method: clinical testing. Allele origin: germline.

CeGaT Center for Human Genetics Tuebingen
Classification: Uncertain significance. Last evaluated: 2025-06-01. Review status: criteria provided, single submitter. Criteria: CeGaT Center For Human Genetics Tuebingen Variant Classification Criteria Version 2. Collection method: clinical testing. Allele origin: germline. Affected: yes. Observed: 1 variant allele.

GeneDx
Classification: Uncertain significance. Last evaluated: 2025-05-21. Review status: criteria provided, single submitter. Criteria: GeneDx Variant Classification Process June 2021. Collection method: clinical testing. Allele origin: germline. Affected: yes.
Comment: In silico analysis suggests that this missense variant does not alter protein structure/function; Has not been previously published as pathogenic or benign to our knowledge

NM_020320.5(RARS2):c.265A>C (p.Asn89His)

Gene: RARS2 (arginyl-tRNA synthetase 2, mitochondrial; minus strand). Cytogenetic location: 6q15.
Variant type: single nucleotide variant.
Coding change: c.265A>C on transcript NM_020320.5 (MANE Select); coding-DNA position 265, A replaced by C.
Protein change: p.Asn89His; replaces asparagine 89 with histidine.
Molecular consequence: missense variant. On other transcripts: 5 prime UTR variant (7), non-coding transcript variant (23).
Genome position (GRCh38, 1-based): chr6:87,562,734, T>G on the plus strand (A>C on the coding strand, the complement: RARS2 is on the minus strand). VCF-style: chr6-87562734-T-G. GRCh37 (hg19) VCF-style: chr6-88272452-T-G.
Other names: c.-205A>C (NM_001318785.2, NM_001350509.2); c.265A>C, p.Asn89His (NM_001350505.2); c.-261A>C (NM_001350506.2, NM_001350507.2, NM_001350510.2 and 1 more transcripts); c.-423A>C (NM_001350508.2); c.265A>C (NM_020320.3); short protein forms N89H.
Identifiers: ClinVar variation 3904965 (VCV003904965.12).